The following is an entry in ClinVar:

ClinVar aggregate classification (germline): Uncertain significance. Review status: criteria provided, multiple submitters, no conflicts (2 of 4 stars). 3 submissions from 3 submitters: Uncertain significance (3). Last evaluated 2025-01-15.

Conditions:
GP1BA-related disorder. Also called: GP1BA-related condition.
Inborn genetic diseases. Identifiers: MedGen C0950123, MeSH D030342.

Allele frequency attached by ClinVar (database versions not stated): gnomAD exomes 0.00006; ExAC 0.00013; gnomAD 0.00023.

Submissions (3):

PreventionGenetics, part of Exact Sciences
Classification: Uncertain significance for GP1BA-related condition. Last evaluated: 2025-01-15. Review status: criteria provided, single submitter. Criteria: ACMG Guidelines, 2015. Collection method: clinical testing. Allele origin: germline.
Comment: The GP1BA c.1271C>T variant is predicted to result in the amino acid substitution p.Pro424Leu. To our knowledge, this variant has not been reported in the literature. This variant is reported in 0.13% of alleles in individuals of African descent in gnomAD. Although we suspect that this variant may be benign, at this time, the clinical significance of this variant is uncertain due to the absence of conclusive functional and genetic evidence.

Ambry Genetics
Classification: Uncertain significance for Inborn genetic diseases. Last evaluated: 2024-11-13. Review status: criteria provided, single submitter. Criteria: Ambry Variant Classification Scheme 2023. Collection method: clinical testing. Allele origin: germline.

Women's Health and Genetics/Laboratory Corporation of America, LabCorp
Classification: Uncertain significance. Last evaluated: 2024-09-13. Review status: criteria provided, single submitter. Criteria: LabCorp Variant Classification Summary - May 2015. Collection method: clinical testing. Allele origin: germline.
Comment: Variant summary: GP1BA c.1271C>T (p.Pro424Leu) results in a non-conservative amino acid change in the encoded protein sequence. Four of five in-silico tools predict a benign effect of the variant on protein function. The variant allele was found at a frequency of 7.9e-05 in 151952 control chromosomes. This frequency is not significantly higher than estimated for a pathogenic variant in GP1BA causing Bernard-Soulier Syndrome, Type A2, Autosomal Dominant, allowing no conclusion about variant significance. To our knowledge, no occurrence of c.1271C>T in individuals affected with Bernard-Soulier Syndrome, Type A2, Autosomal Dominant and no experimental evidence demonstrating its impact on protein function have been reported. ClinVar contains an entry for this variant (Variation ID: 2213038). Based on the evidence outlined above, the variant was classified as uncertain significance.

NM_000173.7(GP1BA):c.1271C>T (p.Pro424Leu)

Gene: GP1BA (glycoprotein Ib platelet subunit alpha; plus strand). Cytogenetic location: 17p13.2.
Variant type: single nucleotide variant.
Coding change: c.1271C>T on transcript NM_000173.7 (MANE Select); coding-DNA position 1271, C replaced by T.
Protein change: p.Pro424Leu; replaces proline 424 with leucine.
Molecular consequence: missense variant.
Genome position (GRCh38, 1-based): chr17:4,933,875, C>T. VCF-style: chr17-4933875-C-T. GRCh37 (hg19) VCF-style: chr17-4837170-C-T.
Other names: c.1271C>T (NM_000173.6); short protein forms P424L.
Identifiers: ClinVar variation 2213038 (VCV002213038.5), dbSNP rs763902783, ClinGen allele CA8314949.